The following is an entry in ClinVar:

ClinVar aggregate classification (germline): Pathogenic (1 of 4 stars; one submission).

Conditions:
3-methylcrotonyl-CoA carboxylase 1 deficiency (MCC1D). Also called: MCC 1 deficiency; 3 Alpha methylcrotonylglycinuria 1; MCCD TYPE 1; METHYLCROTONYLGLYCINURIA TYPE I. Identifiers: Orphanet 6, MedGen CN028786, MONDO:0008861, OMIM 210200.

Submission:

Labcorp Genetics (formerly Invitae), Labcorp
Classification: Pathogenic for 3-methylcrotonyl-CoA carboxylase 1 deficiency. Last evaluated: 2023-08-08. Review status: criteria provided, single submitter. Criteria: Invitae Variant Classification Sherloc (09022015). Collection method: clinical testing. Allele origin: germline.
Comment: A similar copy number variant has been observed in individual(s) with 3-methylcrotonyl-CoA carboxylase deficiency (PMID: 19339287). This variant is a gross deletion of the genomic region encompassing exon(s) 9 of the MCCC1 gene. This deletion is out-of-frame, and is expected to create a premature termination codon and result in an absent or disrupted protein product. Loss-of-function variants in MCCC1 are known to be pathogenic (PMID: 11181649, 15359379, 22642865). For these reasons, this variant has been classified as Pathogenic.

Literature cited by the submitters: PubMed 19339287; PubMed 11181649; PubMed 15359379; PubMed 22642865.

NC_000003.12:g.(?_183052139)_(183052260_?)del

Gene: MCCC1 (methylcrotonyl-CoA carboxylase subunit 1; minus strand). Cytogenetic location: 3q27.1.
Variant type: Deletion.
Identifiers: ClinVar variation 665643 (VCV000665643.8).